The following continues an entry in ClinVar:

NM_000179.3(MSH6):c.3299C>T (p.Thr1100Met)

Gene: MSH6. ClinVar aggregate classification (germline): Conflicting classifications of pathogenicity. Uncertain significance (13); Benign (1); Likely benign (4).

Submissions 10 to 19 of 19:

Color Diagnostics, LLC DBA Color Health
Classification: Uncertain significance for Hereditary cancer-predisposing syndrome. Last evaluated: 2024-04-22. Review status: criteria provided, single submitter. Criteria: ACMG Guidelines, 2015. Collection method: clinical testing. Allele origin: germline.
Comment: This missense variant replaces threonine with methionine at codon 1100 of the MSH6 protein. Computational prediction is inconclusive regarding the impact of this variant on protein structure and function. A functional study has reported that this variant does not impact in vitro DNA mismatch repair activity (PMID: 32615015). This variant has been reported in individuals affected with Lynch syndrome-associated cancer and/or polyps (PMID: 11709755, 25980754, 26901136, 30267214) and skin melanoma and thyroid cancer (PMID: 2968408). This variant also has been reported to cosegregate with heterozygous pathogenic MUTYH p.Tyr179Cys in three colorectal cancer-affected members of a suspected Lynch syndrome family (PMID: 32615015). This variant has been identified in 12/282832 chromosomes in the general population by the Genome Aggregation Database (gnomAD) and in healthy controls (PMID: 32980694). The available evidence is insufficient to determine the role of this variant in disease conclusively. Therefore, this variant is classified as a Variant of Uncertain Significance.

Baylor Genetics
Classification: Uncertain significance for Endometrial carcinoma. Last evaluated: 2024-03-04. Review status: criteria provided, single submitter. Criteria: ACMG Guidelines, 2015. Collection method: clinical testing. Allele origin: unknown.

Myriad Genetics, Inc.
Classification: Likely benign for Lynch syndrome 5. Last evaluated: 2024-01-23. Review status: criteria provided, single submitter. Criteria: Myriad Autosomal Dominant, Autosomal Recessive and X-Linked Classification Criteria (2023). Collection method: clinical testing. Allele origin: unknown.
Comment: This variant is considered likely benign. This variant is strongly associated with less severe personal and family histories of cancer, typical for individuals without pathogenic variants in this gene [PMID: 27363726].

Blueprint Genetics
Classification: Uncertain significance. Last evaluated: 2022-04-13. Review status: criteria provided, single submitter. Criteria: ACMG Guidelines, 2015. Collection method: clinical testing. Allele origin: germline.

Sema4
Classification: Uncertain significance for Hereditary cancer-predisposing syndrome. Last evaluated: 2021-06-04. Review status: criteria provided, single submitter. Criteria: Sema4 Curation Guidelines. Collection method: curation. Allele origin: germline.
Comment: The MSH6 c.3299C>T (p.T1100M) variant has been reported in individuals with Lynch syndrome-associated cancer and hereditary breast and/or ovarian cancer (PMID: 32615015, 29684080, 26901136, 25980754, 11709755, 32068069). However, in at least one colorectal cancer family the variant was reported to co-occur with a pathogenic MUTYH variant (PMID: 32615015). This variant has also been reported in 12/60466 breast cancer cases and 3/53461 healthy controls by a large case-control study (PMID: 33471991). An in vitro MMR assay demonstrated the normal function of the protein (PMID: 32615015). This variant was observed in 12/282832 chromosomes, with no homozygotes, across the different populations included in the Genome Aggregation Database (PMID: 32461654). The variant has been reported in ClinVar (Variation ID 89369). In silico tools are inconclusive. The evidence is insufficient to meet ACMG/AMP criteria for classifying the variant as benign or pathogenic. Thus, the clinical significance of this variant is currently uncertain.

Genetic Services Laboratory, University of Chicago
Classification: Uncertain significance. Last evaluated: 2019-09-23. Review status: criteria provided, single submitter. Criteria: ACMG Guidelines, 2015. Collection method: clinical testing. Allele origin: germline. Affected: no.

Fulgent Genetics
Classification: Uncertain significance for Mismatch repair cancer syndrome 1; Endometrial carcinoma; Lynch syndrome 5. Last evaluated: 2018-10-31. Review status: criteria provided, single submitter. Criteria: ACMG Guidelines, 2015. Collection method: clinical testing. Allele origin: unknown.

Laboratory for Molecular Medicine, Mass General Brigham Personalized Medicine
Classification: Uncertain significance. Last evaluated: 2017-01-25. Review status: criteria provided, single submitter. Criteria: LMM Criteria. Collection method: clinical testing. Allele origin: germline. Observed: 1 variant allele.
Comment: The p.Thr1100Met variant in MSH6 has been reported in 2 individuals with suspect ed colorectal cancer or Lynch syndrome (Berends 2002, Yurgelun 2015). This varia nt has also been identified in 2/16512 of South Asian chromosomes by the Exome A ggregation Consortium (ExAC; dbSNP rs63750442). Computational prediction tools and conservation analysis do not provide strong s upport for or against an impact to the protein. In addition, the p.Thr1100Met va riant has been classified as a variant of uncertain significance on Sept 5, 2013 by the ClinGen-approved InSiGHT expert panel (ClinVar SCV000108047.2). In summ ary, the clinical significance of the p.Thr1100Met variant is uncertain.

CSER _CC_NCGL, University of Washington
Classification: Uncertain significance for Lynch syndrome. Last evaluated: 2015-03-11. Review status: criteria provided, single submitter. Criteria: Amendola et al. (Genome Res. 2015). Collection method: research. Allele origin: germline. Inheritance: Autosomal dominant inheritance. Study: CSER - NEXT Medicine variant annotation.

Department of Pathology and Laboratory Medicine, Sinai Health System
Classification: Uncertain significance for Malignant tumor of breast. Review status: no assertion criteria provided. Collection method: clinical testing. Allele origin: unknown. Affected: yes. Study: The Canadian Open Genetics Repository (COGR). Not counted in ClinVar's aggregate classification.
Comment: The MSH6 p.Thr1100Met variant was identified in 3 of 3262 proband chromosomes (frequency: 0.001) from individuals or families with colorectal cancer (Berends 2002, de Voer 2016, Yurgelun 2015). The variant was also identified in dbSNP (ID: rs63750442) as With Uncertain significance allele, ClinVar (classified as uncertain significance by Invitae, Ambry Genetics, GeneDx, Color Genomics, and 5 clinical laboratories), Clinvitae, Cosmic, MutDB, UMD-LSDB (1X classified as uncertain significance), Mismatch Repair Genes Variant Database, and Insight Hereditary Tumors Database (as unclassified variant) databases. The variant was not identified in GeneInsight-COGR, or the Zhejiang Colon Cancer Database. The variant was identified in control databases in 11 of 277180 chromosomes at a frequency of 0.00004 (Genome Aggregation Database Feb 27, 2017). The variant was identified in the following populations: African in 2 of 24038 chromosomes (freq: 0.0001), â€šÃ„ÃºOtherâ€šÃ„Ã¹ in 1 of 6464 chromosomes (freq: 0.0002), European in 5 of 126684 chromosomes (freq: 0.00004), East Asian in 1 of 18868 chromosomes (freq: 0.0001), and South Asian in 2 of 30782 chromosomes (freq: 0.0001), while the variant was not observed in the Latino, Ashkenazi Jewish, or Finnish populations. The p.Thr1100 residue is conserved in mammals and computational analyses (PolyPhen-2, SIFT, AlignGVGD, BLOSUM, MutationTaster) provide inconsistent predictions regarding the impact to the protein; this information is not very predictive of pathogenicity. The variant occurs outside of the splicing consensus sequence and 1 of 5 in silico or computational prediction software programs (SpliceSiteFinder, MaxEntScan, NNSPLICE, GeneSplicer, HumanSpliceFinder) predict a greater than 10% difference in splicing; this is not very predictive of pathogenicity. In summary, based on the above information, the clinical significance of this variant cannot be determined with certainty at this time. This variant is classified as a variant of uncertain significance.

Literature cited by the submitters: PubMed 11709755 (cited by 8 submitters); PubMed 24362816 (cited by Ambry Genetics); PubMed 31422818 (cited by Quest Diagnostics Nichols Institute San Juan Capistrano and Women's Health and Genetics/Laboratory Corporation of America, LabCorp); PubMed 36243179 (cited by Quest Diagnostics Nichols Institute San Juan Capistrano); PubMed 35449176 (cited by Quest Diagnostics Nichols Institute San Juan Capistrano and Women's Health and Genetics/Laboratory Corporation of America, LabCorp); PubMed 32658311 (cited by Quest Diagnostics Nichols Institute San Juan Capistrano and Women's Health and Genetics/Laboratory Corporation of America, LabCorp); PubMed 32068069 (cited by 3 submitters); PubMed 30267214 (cited by 3 submitters); PubMed 33471991 (cited by Quest Diagnostics Nichols Institute San Juan Capistrano); PubMed 26901136 (cited by 5 submitters); PubMed 25980754 (cited by 6 submitters); PubMed 26333163 (cited by Quest Diagnostics Nichols Institute San Juan Capistrano); PubMed 23621914 (cited by Quest Diagnostics Nichols Institute San Juan Capistrano and Women's Health and Genetics/Laboratory Corporation of America, LabCorp); PubMed 32615015 (cited by 5 submitters); PubMed 2968408 (cited by All of Us Research Program, National Institutes of Health and Color Diagnostics, LLC DBA Color Health); PubMed 32980694 (cited by All of Us Research Program, National Institutes of Health and Color Diagnostics, LLC DBA Color Health); PubMed 25801821 (cited by Women's Health and Genetics/Laboratory Corporation of America, LabCorp); PubMed 27363726 (cited by Myriad Genetics, Inc.); PubMed 29684080 (cited by Sema4).